The following is an entry in ClinVar:

ClinVar aggregate classification (germline): Uncertain significance (1 of 4 stars; one submission).

Conditions:
Congenital myasthenic syndrome 9. Also called: Myasthenic syndrome, congenital, 9, associated with acetylcholine receptor deficiency. Identifiers: Orphanet 590, MedGen C4225368, MONDO:0014587, OMIM 616325.
Fetal akinesia deformation sequence 1 (FADS1). Also called: Pena-Shokeir syndrome type I; Fetal akinesia sequence. Identifiers: Orphanet 994, MedGen C1276035, MONDO:0100101, OMIM 208150, HP:0001989.

Submission:

Labcorp Genetics (formerly Invitae), Labcorp
Classification: Uncertain significance for Congenital myasthenic syndrome 9; Fetal akinesia deformation sequence 1. Last evaluated: 2021-01-14. Review status: criteria provided, single submitter. Criteria: Invitae Variant Classification Sherloc (09022015). Collection method: clinical testing. Allele origin: germline.
Comment: In summary, the available evidence is currently insufficient to determine the role of this variant in disease. Therefore, it has been classified as a Variant of Uncertain Significance. Algorithms developed to predict the effect of sequence changes on RNA splicing suggest that this variant may create or strengthen a splice site, but this prediction has not been confirmed by published transcriptional studies. Advanced modeling of protein sequence and biophysical properties (such as structural, functional, and spatial information, amino acid conservation, physicochemical variation, residue mobility, and thermodynamic stability) performed at Invitae indicates that this missense variant is not expected to disrupt MUSK protein function. This variant has not been reported in the literature in individuals with MUSK-related conditions. This variant is not present in population databases (ExAC no frequency). This sequence change replaces alanine with glycine at codon 711 of the MUSK protein (p.Ala711Gly). The alanine residue is highly conserved and there is a small physicochemical difference between alanine and glycine.

NM_005592.4(MUSK):c.2132C>G (p.Ala711Gly)

Gene: MUSK (muscle associated receptor tyrosine kinase; plus strand). Cytogenetic location: 9q31.3.
Variant type: single nucleotide variant.
Coding change: c.2132C>G on transcript NM_005592.4 (MANE Select); coding-DNA position 2132, C replaced by G.
Protein change: p.Ala711Gly; replaces alanine 711 with glycine.
Molecular consequence: missense variant.
Genome position (GRCh38, 1-based): chr9:110,800,510, C>G. VCF-style: chr9-110800510-C-G. GRCh37 (hg19) VCF-style: chr9-113562790-C-G.
Other names: c.1874C>G, p.Ala625Gly (NM_001166280.2); c.1844C>G, p.Ala615Gly (NM_001166281.2); c.872C>G, p.Ala291Gly (NM_001369398.1); short protein forms A711G, A625G, A615G, A291G.
Identifiers: ClinVar variation 1425183 (VCV001425183.8), dbSNP rs758510906, ClinGen allele CA374478199.
Genomic context (GRCh38, chr9:110,800,510, plus strand): 5'-GCCCTGGGCCCCCACCCCTCTCCTGTGCTGAGCAGCTTTGCATTGCCAGGCAGGTGGCAG[C>G]TGGCATGGCTTACCTCTCAGAACGTAAGTTTGTTCACCGAGATTTAGCCACCAGGAACTG-3'
Protein context (NP_005583.1, residues 701-721): EQLCIARQVA[Ala711Gly]GMAYLSERKF